The following is an entry in ClinVar:

NM_001282874.2(SMARCA1):c.296T>C (p.Leu99Pro)

Gene: SMARCA1 (SNF2 related chromatin remodeling ATPase 1; minus strand). Cytogenetic location: Xq26.1.
Variant type: single nucleotide variant.
Coding change: c.296T>C on transcript NM_001282874.2 (MANE Select); coding-DNA position 296, T replaced by C.
Protein change: p.Leu99Pro; replaces leucine 99 with proline.
Molecular consequence: missense variant.
Genome position (GRCh38, 1-based): chrX:129,516,463, A>G on the plus strand (T>C on the coding strand, the complement: SMARCA1 is on the minus strand). VCF-style: chrX-129516463-A-G. GRCh37 (hg19) VCF-style: chrX-128650440-A-G.
Other names: c.296T>C, p.Leu99Pro (NM_001282875.2, NM_001378261.1, NM_001378262.1 and 3 more transcripts); short protein forms L99P.
Identifiers: ClinVar variation 3900949 (VCV003900949.1).
Genomic context (GRCh38, chrX:129,516,463, plus strand): 5'-GATGTTGGAGATTTCTGTGCTGAAGGCTGAATGAAATGTGCAAAAAGTTCTGTCTGCTTC[A>G]GTAAAAATTCAAATCTCTTTGCTCGGTCGGCTTTCTAATTTGCAAAACAAAAGAAAAGTA-3'
Protein context (NP_001269803.1, residues 89-109): ADRAKRFEFL[Leu99Pro]KQTELFAHFI

ClinVar aggregate classification (germline): Uncertain significance (1 of 4 stars; one submission).

Submission:

GeneDx
Classification: Uncertain significance. Last evaluated: 2024-11-27. Review status: criteria provided, single submitter. Criteria: GeneDx Variant Classification Process June 2021. Collection method: clinical testing. Allele origin: germline. Affected: yes.
Comment: Not observed at significant frequency in large population cohorts (gnomAD); In silico analysis supports that this missense variant has a deleterious effect on protein structure/function; Has not been previously published as pathogenic or benign to our knowledge; Variants in candidate genes are classified as variants of uncertain significance in accordance with ACMG guidelines (PMID: 25741868)